The following is an entry in ClinVar:

ClinVar aggregate classification (germline): Likely pathogenic (1 of 4 stars; one submission).

Submission:

Labcorp Genetics (formerly Invitae), Labcorp
Classification: Likely pathogenic. Last evaluated: 2024-12-18. Review status: criteria provided, single submitter. Criteria: Invitae Variant Classification Sherloc (09022015). Collection method: clinical testing. Allele origin: germline.
Comment: This sequence change affects an acceptor splice site in intron 20 of the SORL1 gene. It is expected to disrupt RNA splicing. Variants that disrupt the donor or acceptor splice site typically lead to a loss of protein function (PMID: 16199547), and loss-of-function variants in SORL1 are known to be pathogenic (PMID: 26303663, 27026413). This variant is not present in population databases (gnomAD no frequency). This variant has not been reported in the literature in individuals affected with SORL1-related conditions. Algorithms developed to predict the effect of sequence changes on RNA splicing suggest that this variant may disrupt the consensus splice site. In summary, the currently available evidence indicates that the variant is pathogenic, but additional data are needed to prove that conclusively. Therefore, this variant has been classified as Likely Pathogenic.

Literature cited by the submitters: PubMed 16199547; PubMed 26303663; PubMed 27026413.

NM_003105.6(SORL1):c.2911-2A>C

Gene: SORL1 (sortilin related receptor 1; plus strand). Cytogenetic location: 11q24.1.
Variant type: single nucleotide variant.
Coding change: c.2911-2A>C on transcript NM_003105.6 (MANE Select); the canonical splice acceptor site of the intron before coding-DNA position 2911, A replaced by C.
Molecular consequence: splice acceptor variant.
Genome position (GRCh38, 1-based): chr11:121,559,517, A>C. VCF-style: chr11-121559517-A-C. GRCh37 (hg19) VCF-style: chr11-121430226-A-C.
Identifiers: ClinVar variation 3664354 (VCV003664354.2).